The following is an entry in ClinVar:

NM_005045.4(RELN):c.6279C>A (p.His2093Gln)

Gene: RELN (reelin; minus strand). Cytogenetic location: 7q22.1.
Variant type: single nucleotide variant.
Coding change: c.6279C>A on transcript NM_005045.4 (MANE Select); coding-DNA position 6279, C replaced by A.
Protein change: p.His2093Gln; replaces histidine 2093 with glutamine.
Molecular consequence: missense variant.
Genome position (GRCh38, 1-based): chr7:103,551,090, G>T on the plus strand (C>A on the coding strand, the complement: RELN is on the minus strand). VCF-style: chr7-103551090-G-T. GRCh37 (hg19) VCF-style: chr7-103191537-G-T.
Other names: c.6279C>A, p.His2093Gln (NM_173054.3); short protein forms H2093Q.
Identifiers: ClinVar variation 1009789 (VCV001009789.8), dbSNP rs1830399411, ClinGen allele CA368737607.

ClinVar aggregate classification (germline): Uncertain significance (1 of 4 stars; one submission).

Conditions:
Norman-Roberts syndrome (LIS2). Also called: Lissencephaly 2 (Norman-Roberts type). Identifiers: Orphanet 89844, MedGen C0796089, MONDO:0009760, OMIM 257320.
Familial temporal lobe epilepsy 7. Identifiers: Orphanet 101046, MedGen C4225327, MONDO:0014639, OMIM 616436.

Allele frequency attached by ClinVar (database versions not stated): gnomAD exomes below 0.00001.
gnomAD v4.1: 1 of 1,613,636 alleles (0.000062%); highest among the groups gnomAD compares: Non-Finnish European, 0.000085%; no homozygotes.

Submission:

Labcorp Genetics (formerly Invitae), Labcorp
Classification: Uncertain significance for Familial temporal lobe epilepsy 7; Norman-Roberts syndrome. Last evaluated: 2023-07-07. Review status: criteria provided, single submitter. Criteria: Invitae Variant Classification Sherloc (09022015). Collection method: clinical testing. Allele origin: germline.
Comment: This sequence change replaces histidine, which is basic and polar, with glutamine, which is neutral and polar, at codon 2093 of the RELN protein (p.His2093Gln). This variant is not present in population databases (gnomAD no frequency). This variant has not been reported in the literature in individuals affected with RELN-related conditions. ClinVar contains an entry for this variant (Variation ID: 1009789). Advanced modeling of protein sequence and biophysical properties (such as structural, functional, and spatial information, amino acid conservation, physicochemical variation, residue mobility, and thermodynamic stability) performed at Invitae indicates that this missense variant is not expected to disrupt RELN protein function. In summary, the available evidence is currently insufficient to determine the role of this variant in disease. Therefore, it has been classified as a Variant of Uncertain Significance.